The following is an entry in ClinVar:

NM_001271.4(CHD2):c.3238-3C>T

Gene: CHD2 (chromodomain helicase DNA binding protein 2; plus strand). Cytogenetic location: 15q26.1.
Variant type: single nucleotide variant.
Coding change: c.3238-3C>T on transcript NM_001271.4 (MANE Select); 3 bases into the intron before coding-DNA position 3238, C replaced by T.
Molecular consequence: intron variant.
Genome position (GRCh38, 1-based): chr15:92,985,495, C>T. VCF-style: chr15-92985495-C-T. GRCh37 (hg19) VCF-style: chr15-93528725-C-T.
Identifiers: ClinVar variation 651870 (VCV000651870.7), dbSNP rs1596437905, ClinGen allele CA915946167.

ClinVar aggregate classification (germline): Uncertain significance (1 of 4 stars; one submission).

Conditions:
Developmental and epileptic encephalopathy 94 (DEE94). Also called: Epileptic encephalopathy, childhood-onset; CHD2-Related Neurodevelopmental Disorders. Identifiers: Orphanet 1942, Orphanet 2382, MedGen C3809278, MONDO:0014150, OMIM 615369.

Allele frequency attached by ClinVar (database versions not stated): gnomAD exomes below 0.00001; gnomAD 0.00001; TOPMed 0.00001.
gnomAD v4.1: 2 of 1,606,648 alleles (0.00012%); highest among the groups gnomAD compares: African/African-American, 0.0027%; no homozygotes.

Submission:

Labcorp Genetics (formerly Invitae), Labcorp
Classification: Uncertain significance for Developmental and epileptic encephalopathy 94. Last evaluated: 2024-02-17. Review status: criteria provided, single submitter. Criteria: Invitae Variant Classification Sherloc (09022015). Collection method: clinical testing. Allele origin: germline.
Comment: This sequence change falls in intron 25 of the CHD2 gene. It does not directly change the encoded amino acid sequence of the CHD2 protein. It affects a nucleotide within the consensus splice site. This variant is not present in population databases (gnomAD no frequency). This variant has not been reported in the literature in individuals affected with CHD2-related conditions. ClinVar contains an entry for this variant (Variation ID: 651870). Variants that disrupt the consensus splice site are a relatively common cause of aberrant splicing (PMID: 17576681, 9536098). Algorithms developed to predict the effect of sequence changes on RNA splicing suggest that this variant is not likely to affect RNA splicing. In summary, the available evidence is currently insufficient to determine the role of this variant in disease. Therefore, it has been classified as a Variant of Uncertain Significance.

Literature cited by the submitters: PubMed 17576681; PubMed 9536098.